The following is an entry in ClinVar:

NM_001042492.3(NF1):c.5519C>G (p.Pro1840Arg)

Gene: NF1 (neurofibromin 1; plus strand). Cytogenetic location: 17q11.2.
Variant type: single nucleotide variant.
Coding change: c.5519C>G on transcript NM_001042492.3 (MANE Select); coding-DNA position 5519, C replaced by G.
Protein change: p.Pro1840Arg; replaces proline 1840 with arginine.
Molecular consequence: missense variant.
Genome position (GRCh38, 1-based): chr17:31,327,749, C>G. VCF-style: chr17-31327749-C-G. GRCh37 (hg19) VCF-style: chr17-29654767-C-G.
Other names: c.5456C>G, p.Pro1819Arg (NM_000267.4); short protein forms P1819R, P1840R.
Identifiers: ClinVar variation 2987202 (VCV002987202.3), dbSNP rs2151541635, ClinGen allele CA399009718.
Genomic context (GRCh38, chr17:31,327,749, plus strand): 5'-TTGTCCAGTCTATCATTCATATCCGGACCCGCTGGGAACTGTCACAGCCCGACTCTATCC[C>G]CCAACACACCAAGATTCGGCCAAAAGATGTCCCTGGGACACTGCTCAATATCGCATTACT-3'
Protein context (NP_001035957.1, residues 1830-1850): RWELSQPDSI[Pro1840Arg]QHTKIRPKDV

ClinVar aggregate classification (germline): Uncertain significance (1 of 4 stars; one submission).

Conditions:
Neurofibromatosis, type 1 (NF1). Also called: NEUROFIBROMATOSIS, TYPE I, SOMATIC; Neurofibromatosis, type I; Peripheral type neurofibromatosis; VON RECKLINGHAUSEN DISEASE. Identifiers: Orphanet 636, MedGen C0027831, MONDO:0018975, OMIM 162200. Disease mechanism: loss of function.

Submission:

Labcorp Genetics (formerly Invitae), Labcorp
Classification: Uncertain significance for Neurofibromatosis, type 1. Last evaluated: 2024-02-11. Review status: criteria provided, single submitter. Criteria: Invitae Variant Classification Sherloc (09022015). Collection method: clinical testing. Allele origin: germline.
Comment: This sequence change replaces proline, which is neutral and non-polar, with arginine, which is basic and polar, at codon 1819 of the NF1 protein (p.Pro1819Arg). This variant is not present in population databases (gnomAD no frequency). This variant has not been reported in the literature in individuals affected with NF1-related conditions. Advanced modeling of protein sequence and biophysical properties (such as structural, functional, and spatial information, amino acid conservation, physicochemical variation, residue mobility, and thermodynamic stability) performed at Invitae indicates that this missense variant is expected to disrupt NF1 protein function with a positive predictive value of 95%. In summary, the available evidence is currently insufficient to determine the role of this variant in disease. Therefore, it has been classified as a Variant of Uncertain Significance.